The following is an entry in ClinVar:

ClinVar aggregate classification (germline): Uncertain significance (1 of 4 stars; one submission).

Conditions:
Leigh syndrome (NULS). Also called: Leigh's necrotizing encephalopathy; Leigh's disease; Leigh Syndrome (mtDNA deletion); Leigh Disease; Subacute necrotizing encephalopathy; Necrotizing encephalopathy infantile subacute of Leigh. Identifiers: Orphanet 506, MedGen C2931891, MONDO:0009723, OMIM 256000.

Submission:

Wong Mito Lab, Molecular and Human Genetics, Baylor College of Medicine
Classification: Uncertain significance for Leigh syndrome. Last evaluated: 2019-10-17. Review status: criteria provided, single submitter. Criteria: Modified ACMG Guidelines (Unpublished). Collection method: clinical testing. Allele origin: germline.
Comment: The NC_012920.1:m.3751A>G (YP_003024026.1:p.Ile149Val) variant in MTND1 gene is interpretated to be a Uncertain Significance variant based on the modified ACMG guidelines (unpublished). This variant meets the following evidence codes: PP7

NC_012920.1(MT-ND1):m.3751A>G

Gene: MT-ND1 (mitochondrially encoded NADH dehydrogenase 1; plus strand).
Variant type: single nucleotide variant.
Genome position: chrM-3751-A-G.
Identifiers: ClinVar variation 692397 (VCV000692397.1), dbSNP rs1603219119, ClinGen allele CA414773435.